The following is an entry in ClinVar:

NM_012463.4(ATP6V0A2):c.668A>G (p.Tyr223Cys)

Gene: ATP6V0A2 (ATPase H+ transporting V0 subunit a2; plus strand). Cytogenetic location: 12q24.31.
Variant type: single nucleotide variant.
Coding change: c.668A>G on transcript NM_012463.4 (MANE Select); coding-DNA position 668, A replaced by G.
Protein change: p.Tyr223Cys; replaces tyrosine 223 with cysteine.
Molecular consequence: missense variant.
Genome position (GRCh38, 1-based): chr12:123,733,945, A>G. VCF-style: chr12-123733945-A-G. GRCh37 (hg19) VCF-style: chr12-124218492-A-G.
Other names: short protein forms Y223C.
Identifiers: ClinVar variation 1927760 (VCV001927760.5), dbSNP rs761908912, ClinGen allele CA6861701.

ClinVar aggregate classification (germline): Uncertain significance (1 of 4 stars; one submission).

Conditions:
ALG9 congenital disorder of glycosylation (CDG1L). Also called: ALG9-CDG; CONGENITAL DISORDER OF GLYCOSYLATION, TYPE Il; CDG Il. Identifiers: Orphanet 79328, MedGen C2931006, MONDO:0012117, OMIM 608776.

Allele frequency attached by ClinVar (database versions not stated): ExAC 0.00002; gnomAD exomes 0.00002.
gnomAD v4.1: 27 of 1,613,186 alleles (0.0017%); highest among the groups gnomAD compares: Non-Finnish European, 0.0022%; no homozygotes.

Submission:

Labcorp Genetics (formerly Invitae), Labcorp
Classification: Uncertain significance for ALG9 congenital disorder of glycosylation. Last evaluated: 2024-10-30. Review status: criteria provided, single submitter. Criteria: Invitae Variant Classification Sherloc (09022015). Collection method: clinical testing. Allele origin: germline.
Comment: This sequence change replaces tyrosine, which is neutral and polar, with cysteine, which is neutral and slightly polar, at codon 223 of the ATP6V0A2 protein (p.Tyr223Cys). This variant is present in population databases (rs761908912, gnomAD 0.002%). This variant has not been reported in the literature in individuals affected with ATP6V0A2-related conditions. ClinVar contains an entry for this variant (Variation ID: 1927760). Invitae Evidence Modeling of protein sequence and biophysical properties (such as structural, functional, and spatial information, amino acid conservation, physicochemical variation, residue mobility, and thermodynamic stability) indicates that this missense variant is not expected to disrupt ATP6V0A2 protein function with a negative predictive value of 80%. In summary, the available evidence is currently insufficient to determine the role of this variant in disease. Therefore, it has been classified as a Variant of Uncertain Significance.